The following is an entry in ClinVar:

ClinVar aggregate classification (germline): Uncertain significance (1 of 4 stars; one submission).

Submission:

CeGaT Center for Human Genetics Tuebingen
Classification: Uncertain significance. Last evaluated: 2026-05-01. Review status: criteria provided, single submitter. Criteria: CeGaT Center For Human Genetics Tuebingen Variant Classification Criteria Version 2. Collection method: clinical testing. Allele origin: germline. Affected: yes. Observed: 1 variant allele.
Comment: THBS2: PM2

NM_003247.5(THBS2):c.1207C>G (p.Gln403Glu)

Genes: THBS2 (thrombospondin 2; minus strand), THBS2-AS1 (THBS2 antisense RNA 1; plus strand). Cytogenetic location: 6q27.
Variant type: single nucleotide variant.
Coding change: c.1207C>G on transcript NM_003247.5 (MANE Select); coding-DNA position 1207, C replaced by G.
Protein change: p.Gln403Glu; replaces glutamine 403 with glutamic acid.
Molecular consequence: missense variant. On other transcripts: non-coding transcript variant (2).
Genome position (GRCh38, 1-based): chr6:169,237,718, G>C on the plus strand (C>G on the coding strand, the complement: THBS2 is on the minus strand). VCF-style: chr6-169237718-G-C. GRCh37 (hg19) VCF-style: chr6-169637813-G-C.
Other names: c.1207C>G, p.Gln403Glu (NM_001381939.1, NM_001381940.1); c.976C>G, p.Gln326Glu (NM_001381942.1); short protein forms Q326E, Q403E.
Identifiers: ClinVar variation 4875050 (VCV004875050.2).